The following is an entry in ClinVar:

ClinVar aggregate classification (germline): Likely pathogenic (1 of 4 stars; one submission).

Conditions:
Cardiovascular phenotype. Identifiers: MedGen CN230736.

Submission:

Ambry Genetics
Classification: Likely pathogenic for Cardiovascular phenotype. Last evaluated: 2019-08-29. Review status: criteria provided, single submitter. Criteria: Ambry Variant Classification Scheme 2023. Collection method: clinical testing. Allele origin: germline.
Comment: The c.2811+1G>A intronic variant results from a G to A substitution one nucleotide after coding exon 18 of the FLNC gene. This nucleotide position is highly conserved in available vertebrate species. Using the BDGP and ESEfinder splice site prediction tools, this alteration is expected to abolish the native splice donor site; however experimental evidence is not currently available. Alterations that disrupt the canonical splice site are expected to cause aberrant splicing, resulting in an abnormal protein or a transcript that is subject to nonsense-mediated mRNA decay. As such, this alteration is classified as likely pathogenic.

NM_001458.5(FLNC):c.2811+1G>A

Gene: FLNC (filamin C; plus strand). Cytogenetic location: 7q32.1.
Variant type: single nucleotide variant.
Coding change: c.2811+1G>A on transcript NM_001458.5 (MANE Select); the canonical splice donor site of the intron after coding-DNA position 2811, G replaced by A.
Molecular consequence: splice donor variant.
Genome position (GRCh38, 1-based): chr7:128,843,578, G>A. VCF-style: chr7-128843578-G-A. GRCh37 (hg19) VCF-style: chr7-128483632-G-A.
Other names: c.2811+1G>A (NM_001127487.2).
Identifiers: ClinVar variation 1796331 (VCV001796331.2), dbSNP rs2128936028, ClinGen allele CA369193331.